The following is an entry in ClinVar:

ClinVar aggregate classification (germline): Benign. Review status: criteria provided, multiple submitters, no conflicts (2 of 4 stars). 10 submissions from 9 submitters: Benign (8). 2 of the submissions do not count toward it. Last evaluated 2026-07-01.

Conditions:
Nephronophthisis. Also called: Juvenile Nephronophthisis. Identifiers: Orphanet 655, MedGen C0687120, MONDO:0019005, HP:0000090.
Nephronophthisis 4 (NPHP4). Also called: NEPHRONOPHTHISIS 4, JUVENILE. Identifiers: Orphanet 655, MedGen C1847013, MONDO:0011752, OMIM 606966.
Senior-Loken syndrome 4 (SLSN4). Identifiers: Orphanet 3156, MedGen C1846979, MONDO:0011756, OMIM 606996.
Focal segmental glomerulosclerosis (FSGS). Also called: Glomerulosclerosis, focal; Focal sclerosis with hyalinosis. Identifiers: MedGen C0017668, MONDO:0100313, HP:0000097. Disease mechanism: loss of function.

Allele frequency attached by ClinVar (database versions not stated): 1000 Genomes Project 30x 0.00531; 1000 Genomes Project 0.00579; gnomAD exomes 0.01108 and 0.01435; gnomAD 0.01120 and 0.01143; TOPMed 0.01286; ESP Exome Variant Server 0.01300; ExAC 0.01383.
gnomAD v4.1: 22,603 of 1,610,202 alleles (1.4%); highest among the groups gnomAD compares: Non-Finnish European, 1.6%; 206 homozygotes.

Submissions (10):

CeGaT Center for Human Genetics Tuebingen
Classification: Benign. Last evaluated: 2026-07-01. Review status: criteria provided, single submitter. Criteria: CeGaT Center For Human Genetics Tuebingen Variant Classification Criteria Version 2. Collection method: clinical testing. Allele origin: germline. Affected: yes. Observed: 6 variant alleles.
Comment: NPHP4: BP4, BS1, BS2

Labcorp Genetics (formerly Invitae), Labcorp
Classification: Benign for Nephronophthisis. Last evaluated: 2026-02-01. Review status: criteria provided, single submitter. Criteria: Invitae Variant Classification Sherloc (09022015). Collection method: clinical testing. Allele origin: germline.

Mayo Clinic Laboratories, Mayo Clinic
Classification: Benign. Last evaluated: 2025-01-20. Review status: criteria provided, single submitter. Criteria: ACMG Guidelines, 2015. Collection method: clinical testing. Allele origin: germline. Observed: 11 variant alleles.
Comment: BS1, BS2, BP4

Genome Diagnostics Laboratory, The Hospital for Sick Children
Classification: Benign for Focal segmental glomerulosclerosis. Last evaluated: 2018-03-01. Review status: criteria provided, single submitter. Criteria: ACMG Guidelines, 2015. Collection method: clinical testing. Allele origin: germline.

Illumina Laboratory Services, Illumina
Classification: Benign for Nephronophthisis 4. Last evaluated: 2018-01-13. Review status: criteria provided, single submitter. Criteria: ICSL Variant Classification Criteria 13 December 2019. Collection method: clinical testing. Allele origin: germline.
Comment: This variant was observed in the ICSL laboratory as part of a predisposition screen in an ostensibly healthy population. It had not been previously curated by ICSL or reported in the Human Gene Mutation Database (HGMD: prior to June 1st, 2018), and was therefore a candidate for classification through an automated scoring system. Utilizing variant allele frequency, disease prevalence and penetrance estimates, and inheritance mode, an automated score was calculated to assess if this variant is too frequent to cause the disease. Based on the score and internal cut-off values, a variant classified as benign is not then subjected to further curation. The score for this variant resulted in a classification of benign for this disease.

Illumina Laboratory Services, Illumina
Classification: Benign for Senior-Loken syndrome 4. Last evaluated: 2018-01-13. Review status: criteria provided, single submitter. Criteria: ICSL Variant Classification Criteria 13 December 2019. Collection method: clinical testing. Allele origin: germline.
Comment: the same text as in the submission from Illumina Laboratory Services, Illumina above.

Breakthrough Genomics
Classification: Benign. Review status: criteria provided, single submitter. Criteria: ACMG Guidelines, 2015. Collection method: not provided. Allele origin: germline. Inheritance: Autosomal recessive inheritance. Affected: yes.

PreventionGenetics, part of Exact Sciences
Classification: Benign. Review status: criteria provided, single submitter. Criteria: ACMG Guidelines, 2015. Collection method: clinical testing. Allele origin: germline.

Genome Diagnostics Laboratory, University Medical Center Utrecht
Classification: Benign. Review status: no assertion criteria provided. Collection method: clinical testing. Allele origin: germline. Affected: yes. Study: VKGL Data-share Consensus. Not counted in ClinVar's aggregate classification.

Laboratory of Diagnostic Genome Analysis, Leiden University Medical Center (LUMC)
Classification: Likely benign. Review status: no assertion criteria provided. Collection method: clinical testing. Allele origin: germline. Affected: yes. Study: VKGL Data-share Consensus. Not counted in ClinVar's aggregate classification.

Literature cited by the submitters: PubMed 31308072 (cited by Mayo Clinic Laboratories, Mayo Clinic).

NM_015102.5(NPHP4):c.3479C>T (p.Pro1160Leu)

Gene: NPHP4 (nephrocystin 4; minus strand). Cytogenetic location: 1p36.31.
Variant type: single nucleotide variant.
Coding change: c.3479C>T on transcript NM_015102.5 (MANE Select); coding-DNA position 3479, C replaced by T.
Protein change: p.Pro1160Leu; replaces proline 1160 with leucine.
Molecular consequence: missense variant. On other transcripts: non-coding transcript variant (1).
Genome position (GRCh38, 1-based): chr1:5,867,109, G>A on the plus strand (C>T on the coding strand, the complement: NPHP4 is on the minus strand). VCF-style: chr1-5867109-G-A. GRCh37 (hg19) VCF-style: chr1-5927169-G-A.
Other names: p.Pro1160Leu; c.1940C>T, p.Pro647Leu (NM_001291593.2); c.1943C>T, p.Pro648Leu (NM_001291594.2); short protein forms P1160L, P647L, P648L.
Identifiers: ClinVar variation 220304 (VCV000220304.42), dbSNP rs113445782, ClinGen allele CA349456.